The following is an entry in ClinVar:

NM_000535.7(PMS2):c.748T>C (p.Ser250Pro)

Gene: PMS2 (PMS1 homolog 2, mismatch repair system component; minus strand). Cytogenetic location: 7p22.1.
Variant type: single nucleotide variant.
Coding change: c.748T>C on transcript NM_000535.7 (MANE Select); coding-DNA position 748, T replaced by C.
Protein change: p.Ser250Pro; replaces serine 250 with proline.
Molecular consequence: missense variant. On other transcripts: 5 prime UTR variant (2), non-coding transcript variant (1).
Genome position (GRCh38, 1-based): chr7:5,997,381, A>G on the plus strand (T>C on the coding strand, the complement: PMS2 is on the minus strand). VCF-style: chr7-5997381-A-G. GRCh37 (hg19) VCF-style: chr7-6037012-A-G.
Other names: c.343T>C, p.Ser115Pro (NM_001322003.2, NM_001322004.2, NM_001322005.2 and 2 more transcripts); c.748T>C, p.Ser250Pro (NM_001322006.2, NM_001322014.2); c.430T>C, p.Ser144Pro (NM_001322007.2, NM_001322008.2); c.-186T>C (NM_001322011.2, NM_001322012.2); c.175T>C, p.Ser59Pro (NM_001322013.2); c.439T>C, p.Ser147Pro (NM_001322015.2); short protein forms S250P, S147P, S144P, S115P, S59P.
Identifiers: ClinVar variation 628599 (VCV000628599.12), dbSNP rs766690351, ClinGen allele CA051482.

ClinVar aggregate classification (germline): Uncertain significance. Review status: criteria provided, multiple submitters, no conflicts (2 of 4 stars). 3 submissions from 3 submitters: Uncertain significance (3). Last evaluated 2025-11-16.

Conditions:
Hereditary nonpolyposis colorectal neoplasms. Identifiers: MedGen C0009405, MeSH D003123.
Hereditary cancer-predisposing syndrome. Also called: Neoplastic Syndromes, Hereditary; Tumor predisposition; Hereditary neoplastic syndrome; Hereditary Cancer Syndrome. Identifiers: Orphanet 140162, MedGen C0027672, MeSH D009386, MONDO:0015356.

Allele frequency attached by ClinVar (database versions not stated): gnomAD exomes below 0.00001 and 0.00001; ExAC 0.00001; gnomAD 0.00001.
gnomAD v4.1: 5 of 1,605,808 alleles (0.00031%); highest among the groups gnomAD compares: East Asian, 0.011%; no homozygotes.

Submissions (3):

Labcorp Genetics (formerly Invitae), Labcorp
Classification: Uncertain significance for Hereditary nonpolyposis colorectal neoplasms. Last evaluated: 2025-11-16. Review status: criteria provided, single submitter. Criteria: Invitae Variant Classification Sherloc (09022015). Collection method: clinical testing. Allele origin: germline.
Comment: This sequence change replaces serine, which is neutral and polar, with proline, which is neutral and non-polar, at codon 250 of the PMS2 protein (p.Ser250Pro). This variant is present in population databases (rs766690351, gnomAD 0.01%). This missense change has been observed in individual(s) with breast and biliary tract cancer (PMID: 35449176). ClinVar contains an entry for this variant (Variation ID: 628599). Invitae Evidence Modeling incorporating data from in vitro experimental studies (internal data) indicates that this missense variant is not expected to disrupt PMS2 function with a negative predictive value of 95%. In summary, the available evidence is currently insufficient to determine the role of this variant in disease. Therefore, it has been classified as a Variant of Uncertain Significance.

Ambry Genetics
Classification: Uncertain significance for Hereditary cancer-predisposing syndrome. Last evaluated: 2024-04-23. Review status: criteria provided, single submitter. Criteria: Ambry Variant Classification Scheme 2023. Collection method: clinical testing. Allele origin: germline.
Comment: The p.S250P variant (also known as c.748T>C), located in coding exon 7 of the PMS2 gene, results from a T to C substitution at nucleotide position 748. The serine at codon 250 is replaced by proline, an amino acid with similar properties. This amino acid position is not well conserved in available vertebrate species, and proline is the reference amino acid in other vertebrate species. In addition, this alteration is predicted to be tolerated by in silico analysis. Based on the available evidence, the clinical significance of this variant remains unclear.

Color Diagnostics, LLC DBA Color Health
Classification: Uncertain significance for Hereditary cancer-predisposing syndrome. Last evaluated: 2023-12-05. Review status: criteria provided, single submitter. Criteria: ACMG Guidelines, 2015. Collection method: clinical testing. Allele origin: germline.
Comment: This missense variant replaces serine with proline at codon 250 of the PMS2 protein. Computational prediction suggests that this variant may not impact protein structure and function (internally defined REVEL score threshold <= 0.5, PMID: 27666373). To our knowledge, functional studies have not been reported for this variant. This variant has not been reported in individuals affected with PMS2-related disorders in the literature. This variant has been identified in 2/250032 chromosomes in the general population by the Genome Aggregation Database (gnomAD). The available evidence is insufficient to determine the role of this variant in disease conclusively. Therefore, this variant is classified as a Variant of Uncertain Significance.

Literature cited by the submitters: PubMed 35449176 (cited by Labcorp Genetics (formerly Invitae), Labcorp).